The following is an entry in ClinVar:

ClinVar aggregate classification (germline): Pathogenic/Likely pathogenic. Review status: criteria provided, multiple submitters, no conflicts (2 of 4 stars). 13 submissions from 13 submitters: Pathogenic (11); Likely pathogenic (1). 1 of the submissions does not count toward it. Last evaluated 2026-08-19.

Conditions:
EYS-related disorder. Also called: EYS-related condition.
Retinitis pigmentosa (RP). Identifiers: Orphanet 791, MedGen C0035334, MeSH D012174, MONDO:0019200, OMIM 268000. Inheritance: Autosomal dominant, autosomal recessive and X linked inheritance.
Retinitis pigmentosa 25 (RP25). Identifiers: Orphanet 791, MedGen C1864446, MONDO:0011272, OMIM 602772.

Allele frequency attached by ClinVar (database versions not stated): ExAC 0.00005; gnomAD 0.00021 and 0.00022; TOPMed 0.00027; ESP Exome Variant Server 0.00044.
gnomAD v4.1: 66 of 1,538,648 alleles (0.0043%); highest among the groups gnomAD compares: African/African-American, 0.057%; no homozygotes.

Submissions (13):

PreventionGenetics, part of Exact Sciences
Classification: Pathogenic for EYS-related condition. Last evaluated: 2026-08-19. Review status: criteria provided, single submitter. Criteria: ACMG Guidelines, 2015. Collection method: clinical testing. Allele origin: germline.
Comment: The EYS c.3443+1G>T variant is predicted to disrupt the GT donor site and interfere with normal splicing. This variant has been reported in the homozygous and compound heterozygous states in individuals with retinitis pigmentosa (see for examples: Wang et al. 2014. PubMed ID: 25097241; Ge et al. 2015. PubMed ID: 26667666; Sengillo et al. 2018. PubMed ID: 29550188; Table S1, Lin et al. 2024. PubMed ID: 38219857). This variant is present in 0.057% of alleles in individuals of African descent in gnomAD. Variants that disrupt the consensus splice donor site in EYS are an established mechanism of disease. Given the evidence, we interpret this variant as pathogenic.

Labcorp Genetics (formerly Invitae), Labcorp
Classification: Pathogenic. Last evaluated: 2026-01-27. Review status: criteria provided, single submitter. Criteria: Invitae Variant Classification Sherloc (09022015). Collection method: clinical testing. Allele origin: germline.
Comment: This sequence change affects a donor splice site in intron 22 of the EYS gene. It is expected to disrupt RNA splicing. Variants that disrupt the donor or acceptor splice site typically lead to a loss of protein function (PMID: 16199547), and loss-of-function variants in EYS are known to be pathogenic (PMID: 18836446, 20333770). This variant is present in population databases (rs373441420, gnomAD 0.06%). Disruption of this splice site has been observed in individuals with retinal disease (PMID: 20237254, 29550188; internal data). ClinVar contains an entry for this variant (Variation ID: 195665). Algorithms developed to predict the effect of sequence changes on RNA splicing suggest that this variant may disrupt the consensus splice site. For these reasons, this variant has been classified as Pathogenic.

Natera, Inc.
Classification: Pathogenic for Retinitis pigmentosa type 25. Last evaluated: 2026-01-20. Review status: criteria provided, single submitter. Criteria: Natera Variant Classification Schema (03/2026). Collection method: clinical testing. Allele origin: germline.
Comment: The c.3443+1G>T variant in EYS is a canonical splice donor site variant predicted to affect pre-mRNA splicing, which may result in an abnormal transcript and altered protein product. This variant is expected to result in nonsense mediated decay, truncation, or a dysfunctional protein product. This variant is rare in the general population with a frequency below the threshold expected for the associated phenotype(s). This variant has been observed in one or more individuals affected with the associated recessive disease, as either homozygous or compound heterozygous with a second variant (PMID: 29550188, 35318874). Given the available evidence, this variant is classified as Pathogenic.

GeneDx
Classification: Pathogenic. Last evaluated: 2025-02-05. Review status: criteria provided, single submitter. Criteria: GeneDx Variant Classification Process June 2021. Collection method: clinical testing. Allele origin: germline. Affected: yes.
Comment: Canonical splice site variant predicted to result in a null allele in a gene for which loss of function is a known mechanism of disease; This variant is associated with the following publications: (PMID: 26667666, 29550188, 36819107, 34906470, 32037395, 38219857, 39676705, 31964843, 36284670, 25097241, 39588395, 31736247)

Women's Health and Genetics/Laboratory Corporation of America, LabCorp
Classification: Pathogenic for Retinitis pigmentosa. Last evaluated: 2025-02-04. Review status: criteria provided, single submitter. Criteria: LabCorp Variant Classification Summary - May 2015. Collection method: clinical testing. Allele origin: germline.
Comment: Variant summary: EYS c.3443+1G>T is located in a canonical splice-site and is predicted to affect mRNA splicing resulting in a significantly altered protein due to either exon skipping, shortening, or inclusion of intronic material. Variants that disrupt the consensus splice site are a relatively common cause of aberrant splicing and loss of EYS function. Several computational tools predict a significant impact on normal splicing: Four predict the variant abolishes a canonical 5' splicing donor site. However, these predictions have yet to be confirmed by functional studies. The variant allele was found at a frequency of 2e-05 in 146414 control chromosomes. c.3443+1G>T has been reported in the literature in individuals affected with Retinitis Pigmentosa (examples: Wang_2014, Ge_2015, Sengillo_2018 Santos_2022). These data indicate that the variant is likely to be associated with disease. The following publications have been ascertained in the context of this evaluation (PMID: 25097241, 36196406, 26667666, 29550188). ClinVar contains an entry for this variant (Variation ID: 195665). Based on the evidence outlined above, the variant was classified as pathogenic.

Baylor Genetics
Classification: Pathogenic for Retinitis pigmentosa 25. Last evaluated: 2024-03-30. Review status: criteria provided, single submitter. Criteria: ACMG Guidelines, 2015. Collection method: clinical testing. Allele origin: unknown.

Fulgent Genetics
Classification: Likely pathogenic for Retinitis pigmentosa 25. Last evaluated: 2023-12-24. Review status: criteria provided, single submitter. Criteria: ACMG Guidelines, 2015. Collection method: clinical testing. Allele origin: germline.

Blueprint Genetics
Classification: Pathogenic for EYS-related disorders. Last evaluated: 2023-11-09. Review status: criteria provided, single submitter. Criteria: ACMG Guidelines, 2015. Collection method: clinical testing. Allele origin: germline. Affected: yes. Observed: 5 variant alleles.

Revvity Omics, Revvity
Classification: Pathogenic for Retinitis pigmentosa 25. Last evaluated: 2021-06-25. Review status: criteria provided, single submitter. Criteria: ACMG Guidelines, 2015. Collection method: clinical testing. Allele origin: germline.

Ocular Genomics Institute, Massachusetts Eye and Ear
Classification: Pathogenic for Retinitis pigmentosa 25. Last evaluated: 2021-04-08. Review status: criteria provided, single submitter. Criteria: ACMG Guidelines, 2015. Collection method: research. Allele origin: germline. Affected: yes.
Comment: Through a review of available evidence we were able to apply the following criteria: PVS1, PM2, PP3. Based on this evidence we have classified this variant as Pathogenic.

Broad Center for Mendelian Genomics, Broad Institute of MIT and Harvard
Classification: Pathogenic for Retinitis pigmentosa. Last evaluated: 2021-04-01. Review status: criteria provided, single submitter. Criteria: ACMG Guidelines, 2015. Collection method: curation. Allele origin: germline. Inheritance: Autosomal recessive inheritance. Affected: yes.
Comment: Through a review of available evidence we were able to apply the following criteria: PVS1, PM2, PP3. Based on this evidence we have classified this variant as Pathogenic. If you have any questions about the classification please reach out to the Pierce Lab.

Eurofins Ntd Llc (ga)
Classification: Pathogenic. Last evaluated: 2015-01-20. Review status: criteria provided, single submitter. Criteria: EGL Classification Definitions 2015. Collection method: clinical testing. Allele origin: germline. Observed: 1 variant allele, 1 heterozygote.

Counsyl
Classification: Likely pathogenic for Retinitis pigmentosa 25. Last evaluated: 2018-03-06. Review status: no assertion criteria provided. Collection method: clinical testing. Allele origin: unknown. Not counted in ClinVar's aggregate classification.

Literature cited by the submitters: PubMed 16199547 (cited by Labcorp Genetics (formerly Invitae), Labcorp); PubMed 18836446 (cited by Labcorp Genetics (formerly Invitae), Labcorp and Ocular Genomics Institute, Massachusetts Eye and Ear); PubMed 20333770 (cited by Labcorp Genetics (formerly Invitae), Labcorp and Ocular Genomics Institute, Massachusetts Eye and Ear); PubMed 20237254 (cited by Labcorp Genetics (formerly Invitae), Labcorp); PubMed 29550188 (cited by 4 submitters); PubMed 35318874 (cited by Natera, Inc.); PubMed 25097241 (cited by 5 submitters); PubMed 26667666 (cited by 4 submitters); PubMed 36196406 (cited by Women's Health and Genetics/Laboratory Corporation of America, LabCorp); PubMed 34906470 (cited by Broad Center for Mendelian Genomics, Broad Institute of MIT and Harvard).

NM_001142800.2(EYS):c.3443+1G>T

Gene: EYS (EGF-like photoreceptor maintenance factor; minus strand). Cytogenetic location: 6q12.
Variant type: single nucleotide variant.
Coding change: c.3443+1G>T on transcript NM_001142800.2 (MANE Select); the canonical splice donor site of the intron after coding-DNA position 3443, G replaced by T.
Molecular consequence: splice donor variant.
Genome position (GRCh38, 1-based): chr6:64,813,377, C>A on the plus strand (G>T on the coding strand, the complement: EYS is on the minus strand). VCF-style: chr6-64813377-C-A. GRCh37 (hg19) VCF-style: chr6-65523270-C-A.
Other names: c.3443+1G>T (NM_001292009.2).
Identifiers: ClinVar variation 195665 (VCV000195665.36), dbSNP rs373441420, ClinGen allele CA275110.